The following is an entry in ClinVar:

NM_000384.3(APOB):c.13571C>T (p.Ser4524Phe)

Gene: APOB (apolipoprotein B; minus strand). Cytogenetic location: 2p24.1.
Variant type: single nucleotide variant.
Coding change: c.13571C>T on transcript NM_000384.3 (MANE Select); coding-DNA position 13571, C replaced by T.
Protein change: p.Ser4524Phe; replaces serine 4524 with phenylalanine.
Molecular consequence: missense variant.
Genome position (GRCh38, 1-based): chr2:21,001,851, G>A on the plus strand (C>T on the coding strand, the complement: APOB is on the minus strand). VCF-style: chr2-21001851-G-A. GRCh37 (hg19) VCF-style: chr2-21224723-G-A.
Other names: short protein forms S4524F.
Identifiers: ClinVar variation 3343842 (VCV003343842.1).
Genomic context (GRCh38, chr2:21,001,851, plus strand): 5'-GATTGCAGCTTTTTCAGTAACTCCGTGATGTATATCAGAAATGTGTGGTAGTTTTGAATG[G>A]ACAGGTCAATCAATCTTTTGGATTCAGCAATAAATTTTTCATAGTAATCAGAGAGTTGGT-3'
Protein context (NP_000375.3, residues 4514-4534): IAESKRLIDL[Ser4524Phe]IQNYHTFLIY

ClinVar aggregate classification (germline): Uncertain significance (1 of 4 stars; one submission).

gnomAD v4.1: 1 of 1,614,034 alleles (0.000062%); highest among the groups gnomAD compares: Admixed American, 0.0017%; no homozygotes.

Submission:

GeneDx
Classification: Uncertain significance. Last evaluated: 2023-12-13. Review status: criteria provided, single submitter. Criteria: GeneDx Variant Classification Process June 2021. Collection method: clinical testing. Allele origin: germline. Affected: yes.
Comment: Not observed at significant frequency in large population cohorts (gnomAD); In silico analysis supports that this missense variant does not alter protein structure/function; This variant is associated with the following publications: (PMID: 33303402)